The following is an entry in ClinVar:

ClinVar aggregate classification (germline): Conflicting classifications of pathogenicity. Review status: criteria provided, conflicting classifications (1 of 4 stars). 3 submissions from 2 submitters: Uncertain significance (2); Benign (1). Last evaluated 2023-02-01.

Conditions:
Chondrocalcinosis 2. Also called: Familial calcium pyrophosphate deposition; CALCIUM GOUT; CALCIUM PYROPHOSPHATE ARTHROPATHY. Identifiers: Orphanet 1416, MedGen C0856830, MONDO:0007319, OMIM 118600.
Craniometaphyseal dysplasia, autosomal dominant (CMDD). Identifiers: Orphanet 1522, MedGen C1852502, MONDO:0007397, OMIM 123000.

Allele frequency attached by ClinVar (database versions not stated): 1000 Genomes Project 30x 0.00016; gnomAD 0.00152 and 0.00158; TOPMed 0.00161.

Submissions (3):

CeGaT Center for Human Genetics Tuebingen
Classification: Benign. Last evaluated: 2023-02-01. Review status: criteria provided, single submitter. Criteria: CeGaT Center For Human Genetics Tuebingen Variant Classification Criteria Version 2. Collection method: clinical testing. Allele origin: germline. Affected: yes. Observed: 3 variant alleles.
Comment: ANKH: BS1, BS2

Illumina Laboratory Services, Illumina
Classification: Uncertain significance for Craniometaphyseal dysplasia, autosomal dominant. Last evaluated: 2018-01-12. Review status: criteria provided, single submitter. Criteria: ICSL Variant Classification Criteria 13 December 2019. Collection method: clinical testing. Allele origin: germline.

Illumina Laboratory Services, Illumina
Classification: Uncertain significance for Chondrocalcinosis 2. Last evaluated: 2018-01-12. Review status: criteria provided, single submitter. Criteria: ICSL Variant Classification Criteria 13 December 2019. Collection method: clinical testing. Allele origin: germline.

NM_054027.6(ANKH):c.*3616C>T

Genes: OTULIN (OTU deubiquitinase with linear linkage specificity; plus strand), ANKH (ANKH inorganic pyrophosphate transport regulator; minus strand). Cytogenetic location: 5p15.2.
Variant type: single nucleotide variant.
Coding change: c.*3616C>T on transcript NM_054027.6 (MANE Select); 3616 bases downstream of the stop codon, C replaced by T.
Molecular consequence: 3 prime UTR variant.
Genome position (GRCh38, 1-based): chr5:14,707,581, G>A on the plus strand (C>T on the coding strand, the complement: ANKH is on the minus strand). VCF-style: chr5-14707581-G-A. GRCh37 (hg19) VCF-style: chr5-14707690-G-A.
Identifiers: ClinVar variation 351433 (VCV000351433.29), dbSNP rs550672520, ClinGen allele CA10619281.